The following is an entry in ClinVar:

ClinVar aggregate classification (germline): Conflicting classifications of pathogenicity. Review status: criteria provided, conflicting classifications (1 of 4 stars). 3 submissions from 3 submitters: Uncertain significance (2); Likely benign (1). Last evaluated 2025-08-20.

Conditions:
Parkinson disease (PD). Identifiers: MedGen C0030567, MeSH D010300, MONDO:0005180.
Parkinsonian disorder. Also called: Parkinsonism. Identifiers: MedGen C0242422, MONDO:0021095, HP:0001300.
Vascular parkinsonism. Identifiers: MedGen C0393568, MONDO:0956980.

Allele frequency attached by ClinVar (database versions not stated): gnomAD 0.00003; TOPMed 0.00005; ExAC 0.00007.
gnomAD v4.1: 108 of 1,614,034 alleles (0.0067%); highest among the groups gnomAD compares: South Asian, 0.056%; no homozygotes.

Submissions (3):

Labcorp Genetics (formerly Invitae), Labcorp
Classification: Uncertain significance. Last evaluated: 2025-08-20. Review status: criteria provided, single submitter. Criteria: Invitae Variant Classification Sherloc (09022015). Collection method: clinical testing. Allele origin: germline.
Comment: This sequence change replaces proline, which is neutral and non-polar, with leucine, which is neutral and non-polar, at codon 359 of the TGM6 protein (p.Pro359Leu). This variant is present in population databases (rs201024326, gnomAD 0.04%), and has an allele count higher than expected for a pathogenic variant. This missense change has been observed in individual(s) with Parkinson disease (PMID: 32259886). ClinVar contains an entry for this variant (Variation ID: 3015387). Invitae Evidence Modeling of protein sequence and biophysical properties (such as structural, functional, and spatial information, amino acid conservation, physicochemical variation, residue mobility, and thermodynamic stability) indicates that this missense variant is expected to disrupt TGM6 protein function with a positive predictive value of 80%. Experimental studies have shown that this missense change affects TGM6 function (PMID: 32259886). In summary, the available evidence is currently insufficient to determine the role of this variant in disease. Therefore, it has been classified as a Variant of Uncertain Significance.

The Egyptian Network for Neurodegenerative Diseases (ENND), The American University in Cairo
Classification: Uncertain significance for Vascular parkinsonism; Parkinsonian disorder; Parkinson disease. Last evaluated: 2024-10-01. Review status: criteria provided, single submitter. Criteria: ACMG Guidelines, 2015. Collection method: research. Allele origin: germline. Affected: yes.
Comment: This rare variant (MAF 0 in 1000Genomes and GnomAD) falls within the Transglutaminase-like domain; this variant p.P359L has been previously reported as PD-causing variant after WES analyis and co-segregation in a small family affected with autosomal dominant EOPD and has been reported as spinocerebellar ataxia-causing as well (PMID:32259886); has high REVEL score 0.926 and CADD score 29.9; evidence of structural damage (Missense3D); has been functionally characterized showing lower transglutiminase activity (PMID:32259886)

Blueprint Genetics
Classification: Likely benign. Last evaluated: 2024-02-09. Review status: criteria provided, single submitter. Criteria: ACMG Guidelines, 2015. Collection method: clinical testing. Allele origin: germline.

Literature cited by the submitters: PubMed 32259886 (cited by Labcorp Genetics (formerly Invitae), Labcorp and The Egyptian Network for Neurodegenerative Diseases (ENND), The American University in Cairo); PubMed 40786864 (cited by The Egyptian Network for Neurodegenerative Diseases (ENND), The American University in Cairo).

NM_198994.3(TGM6):c.1076C>T (p.Pro359Leu)

Gene: TGM6 (transglutaminase 6; plus strand). Cytogenetic location: 20p13.
Variant type: single nucleotide variant.
Coding change: c.1076C>T on transcript NM_198994.3 (MANE Select); coding-DNA position 1076, C replaced by T.
Protein change: p.Pro359Leu; replaces proline 359 with leucine.
Molecular consequence: missense variant.
Genome position (GRCh38, 1-based): chr20:2,403,483, C>T. VCF-style: chr20-2403483-C-T. GRCh37 (hg19) VCF-style: chr20-2384129-C-T.
Other names: c.1076C>T, p.Pro359Leu (NM_001254734.2); short protein forms P359L.
Identifiers: ClinVar variation 3015387 (VCV003015387.5), dbSNP rs201024326, ClinGen allele CA9731953.
Genomic context (GRCh38, chr20:2,403,483, plus strand): 5'-GGTTTGCCCGGCAGGACCTAGGCCCCTCTTACAATGGCTGGCAGGTTCTGGATGCCACCC[C>T]CCAGGAGGAGAGTGAAGGTACGCTCAATTGGGTGGGGTAAGTTCCAGACCCCTGCTTTTC-3'
Protein context (NP_945345.2, residues 349-369): YNGWQVLDAT[Pro359Leu]QEESEGVFRC